The following is an entry in ClinVar:

ClinVar aggregate classification (germline): Uncertain significance. Review status: criteria provided, multiple submitters, no conflicts (2 of 4 stars). 2 submissions from 2 submitters: Uncertain significance (2). Last evaluated 2025-08-21.

Conditions:
Hepatoencephalopathy due to combined oxidative phosphorylation defect type 1. Also called: HEPATOENCEPHALOPATHY, EARLY FATAL PROGRESSIVE. Identifiers: Orphanet 137681, MedGen C1836797, MONDO:0012191, OMIM 609060.

Allele frequency attached by ClinVar (database versions not stated): gnomAD exomes 0.00001.
gnomAD v4.1: 9 of 1,610,406 alleles (0.00056%); highest among the groups gnomAD compares: Non-Finnish European, 0.00059%; no homozygotes.

Submissions (2):

3billion
Classification: Uncertain significance for Hepatoencephalopathy due to combined oxidative phosphorylation defect type 1. Last evaluated: 2025-08-21. Review status: criteria provided, single submitter. Criteria: ACMG Guidelines, 2015. Collection method: clinical testing. Allele origin: germline. Affected: yes.
Comment: The variant is observed at an extremely low frequency in the gnomAD v4.1.0 dataset (total allele frequency: <0.001%). Predicted Consequence/Location: Missense variant. The majority of the known disease-causing variants of this gene are variants expected to result in premature termination of the protein. In silico tool predictions suggest damaging effect of the variant on gene or gene product [REVEL: 0.62 (>=0.6, sensitivity 0.68 and specificity 0.92); 3Cnet: 0.90 (> 0.75, sensitivity 0.96 and precision 0.92)]. The variant has been reported as of uncertain significance (ClinVar ID: VCV001464186). Therefore, this variant is classified as VUS according to the recommendation of ACMG/AMP guideline.

Labcorp Genetics (formerly Invitae), Labcorp
Classification: Uncertain significance. Last evaluated: 2022-06-04. Review status: criteria provided, single submitter. Criteria: Invitae Variant Classification Sherloc (09022015). Collection method: clinical testing. Allele origin: germline.
Comment: This sequence change replaces glutamic acid, which is acidic and polar, with lysine, which is basic and polar, at codon 490 of the GFM1 protein (p.Glu490Lys). This variant is present in population databases (no rsID available, gnomAD 0.002%). This missense change has been observed in individual(s) with clinical features of combined oxidative phosphorylation deficiency (Invitae). ClinVar contains an entry for this variant (Variation ID: 1464186). Advanced modeling of protein sequence and biophysical properties (such as structural, functional, and spatial information, amino acid conservation, physicochemical variation, residue mobility, and thermodynamic stability) performed at Invitae indicates that this missense variant is expected to disrupt GFM1 protein function. In summary, the available evidence is currently insufficient to determine the role of this variant in disease. Therefore, it has been classified as a Variant of Uncertain Significance.

NM_024996.7(GFM1):c.1468G>A (p.Glu490Lys)

Gene: GFM1 (G elongation factor mitochondrial 1; plus strand). Cytogenetic location: 3q25.32.
Variant type: single nucleotide variant.
Coding change: c.1468G>A on transcript NM_024996.7 (MANE Select); coding-DNA position 1468, G replaced by A.
Protein change: p.Glu490Lys; replaces glutamic acid 490 with lysine.
Molecular consequence: missense variant. On other transcripts: non-coding transcript variant (4).
Genome position (GRCh38, 1-based): chr3:158,665,424, G>A. VCF-style: chr3-158665424-G-A. GRCh37 (hg19) VCF-style: chr3-158383213-G-A.
Other names: c.1525G>A, p.Glu509Lys (NM_001308164.2); c.1468G>A, p.Glu490Lys (NM_001308166.2); c.1387G>A, p.Glu463Lys (NM_001374355.1); c.1351G>A, p.Glu451Lys (NM_001374356.1); c.1243G>A, p.Glu415Lys (NM_001374357.1); c.1009G>A, p.Glu337Lys (NM_001374358.1); c.901G>A, p.Glu301Lys (NM_001374359.1, NM_001374360.1); c.784G>A, p.Glu262Lys (NM_001374361.1); short protein forms E415K, E490K, E509K, E301K, E337K, E463K, E262K, E451K.
Identifiers: ClinVar variation 1464186 (VCV001464186.6), dbSNP rs1560135430, ClinGen allele CA355178357.